The following is an entry in ClinVar:

ClinVar aggregate classification (germline): Uncertain significance (1 of 4 stars; one submission).

gnomAD v4.1: 1 of 1,614,186 alleles (0.000062%); highest among the groups gnomAD compares: South Asian, 0.0011%; no homozygotes.

Submission:

Labcorp Genetics (formerly Invitae), Labcorp
Classification: Uncertain significance. Last evaluated: 2025-02-25. Review status: criteria provided, single submitter. Criteria: Invitae Variant Classification Sherloc (09022015). Collection method: clinical testing. Allele origin: germline.
Comment: This sequence change replaces phenylalanine, which is neutral and non-polar, with leucine, which is neutral and non-polar, at codon 1715 of the FOCAD protein (p.Phe1715Leu). This variant is not present in population databases (gnomAD no frequency). This variant has not been reported in the literature in individuals affected with FOCAD-related conditions. An algorithm developed to predict the effect of missense changes on protein structure and function outputs the following: PolyPhen-2: "Not Available". The leucine amino acid residue is found in multiple mammalian species, which suggests that this missense change does not adversely affect protein function. In summary, the available evidence is currently insufficient to determine the role of this variant in disease. Therefore, it has been classified as a Variant of Uncertain Significance.

NM_001375567.1(FOCAD):c.5143T>C (p.Phe1715Leu)

Gene: FOCAD (focadhesin; plus strand). Cytogenetic location: 9p21.3.
Variant type: single nucleotide variant.
Coding change: c.5143T>C on transcript NM_001375567.1 (MANE Select); coding-DNA position 5143, T replaced by C.
Protein change: p.Phe1715Leu; replaces phenylalanine 1715 with leucine.
Molecular consequence: missense variant.
Genome position (GRCh38, 1-based): chr9:20,990,261, T>C. VCF-style: chr9-20990261-T-C. GRCh37 (hg19) VCF-style: chr9-20990260-T-C.
Other names: c.5038T>C, p.Phe1680Leu (NM_001375568.1, NM_001375570.1); c.5143T>C, p.Phe1715Leu (NM_017794.5); short protein forms F1680L, F1715L.
Identifiers: ClinVar variation 4713774 (VCV004713774.1).